The following is an entry in ClinVar:

NM_001876.4(CPT1A):c.137del (p.Phe46fs)

Gene: CPT1A (carnitine palmitoyltransferase 1A; minus strand). Cytogenetic location: 11q13.3.
Variant type: Deletion.
Coding change: c.137del on transcript NM_001876.4 (MANE Select); coding-DNA position 137, one base deleted (T; older notation c.137delT).
Protein change: p.Phe46fs; shifts the reading frame from phenylalanine 46.
Molecular consequence: frameshift variant.
Genome position (GRCh38, 1-based): chr11:68,815,338, A deleted on the plus strand (T on the coding strand, the reverse complement: CPT1A is on the minus strand); the first of 2 consecutive A bases (chr11:68,815,338-68,815,339); deleting either gives the same sequence. VCF-style (leftmost placement, unchanged base first): chr11-68815337-GA-G. GRCh37 (hg19) VCF-style: chr11-68582805-GA-G.
Other names: c.137del, p.Phe46fs (NM_001031847.3, NM_001440358.1, NM_001440359.1 and 6 more transcripts); short protein forms F46fs.
Identifiers: ClinVar variation 5015967 (VCV005015967.1).
Genomic context (GRCh38, chr11:68,815,337, plus strand): 5'-CCCCGTTCTTAGATATTAAAAGGCATACTGTGTAGATTTCAACAAATCTCAGAAAACCTT[GA>G]ATCTGATGAACTTCTTTTTCCAGGAATGAAGTCCAGAGAGATAGATTTGTCTAAGAGCTT-3'

ClinVar aggregate classification (germline): Pathogenic (1 of 4 stars; one submission).

Conditions:
Carnitine palmitoyl transferase 1A deficiency. Also called: Carnitine palmitoyltransferase 1A deficiency; CPT deficiency, hepatic, type IA; Carnitine palmitoyltransferase type I deficiency; CPT I DEFICIENCY; CPT DEFICIENCY, HEPATIC, TYPE I. Identifiers: Orphanet 156, MedGen C1829703, MONDO:0009705, OMIM 255120.

Submission:

Myriad Genetics, Inc.
Classification: Pathogenic for Carnitine palmitoyl transferase 1A deficiency. Last evaluated: 2026-05-29. Review status: criteria provided, single submitter. Criteria: Myriad Autosomal Dominant, Autosomal Recessive and X-Linked Classification Criteria (2023). Collection method: clinical testing. Allele origin: unknown.
Comment: NM_001876.3(CPT1A):c.137delT(F46Sfs*24) is expected to be pathogenic in the context of carnitine palmitoyltransferase IA deficiency. This variant is predicted to lead to an abnormal or absent protein product due to the creation of a premature termination codon in CPT1A, a gene where loss-of-function variants are known to be pathogenic. Please note: this variant was assessed in the context of healthy population screening.